The following is an entry in ClinVar:

NM_003265.3(TLR3):c.1462C>G (p.Arg488Gly)

Gene: TLR3 (toll like receptor 3; plus strand). Cytogenetic location: 4q35.1.
Variant type: single nucleotide variant.
Coding change: c.1462C>G on transcript NM_003265.3 (MANE Select); coding-DNA position 1462, C replaced by G.
Protein change: p.Arg488Gly; replaces arginine 488 with glycine.
Molecular consequence: missense variant.
Genome position (GRCh38, 1-based): chr4:186,083,148, C>G. VCF-style: chr4-186083148-C-G. GRCh37 (hg19) VCF-style: chr4-187004302-C-G.
Other names: short protein forms R488G.
Identifiers: ClinVar variation 4775971 (VCV004775971.1).
Genomic context (GRCh38, chr4:186,083,148, plus strand): 5'-TACCTGCAGCTGACTAGGAACTCCTTTGCCTTGGTCCCAAGCCTTCAACGACTGATGCTC[C>G]GAAGGGTGGCCCTTAAAAATGTGGATAGCTCTCCTTCACCATTCCAGCCTCTTCGTAACT-3'
Protein context (NP_003256.1, residues 478-498): LVPSLQRLML[Arg488Gly]RVALKNVDSS

ClinVar aggregate classification (germline): Uncertain significance (1 of 4 stars; one submission).

Conditions:
Encephalopathy, acute, infection-induced (herpes-specific), susceptibility to, 1. Also called: Herpes simplex encephalitis, susceptibility to, 1. Identifiers: Orphanet 1930, MedGen C2750180, MONDO:0024563, OMIM 610551.

gnomAD v4.1: 3 of 1,614,188 alleles (0.00019%); highest among the groups gnomAD compares: Admixed American, 0.005%; no homozygotes.

Submission:

Labcorp Genetics (formerly Invitae), Labcorp
Classification: Uncertain significance for Encephalopathy, acute, infection-induced (herpes-specific), susceptibility to, 1. Last evaluated: 2025-03-31. Review status: criteria provided, single submitter. Criteria: Invitae Variant Classification Sherloc (09022015). Collection method: clinical testing. Allele origin: germline.
Comment: This sequence change replaces arginine, which is basic and polar, with glycine, which is neutral and non-polar, at codon 488 of the TLR3 protein (p.Arg488Gly). This variant is present in population databases (rs772992927, gnomAD 0.009%). This variant has not been reported in the literature in individuals affected with TLR3-related conditions. An algorithm developed to predict the effect of missense changes on protein structure and function (PolyPhen-2) suggests that this variant is likely to be tolerated. In summary, the available evidence is currently insufficient to determine the role of this variant in disease. Therefore, it has been classified as a Variant of Uncertain Significance.